The following is an entry in ClinVar:

ClinVar aggregate classification (germline): Uncertain significance. Review status: criteria provided, multiple submitters, no conflicts (2 of 4 stars). 6 submissions from 6 submitters: Uncertain significance (5). 1 of the submissions does not count toward it. Last evaluated 2026-09-14.

Conditions:
Enhanced S-cone syndrome (ESCS). Identifiers: Orphanet 53540, MedGen C1849394, MONDO:0100288, MONDO:0009989.
Retinitis pigmentosa 37 (RP37). Identifiers: Orphanet 791, MedGen C1970163, MONDO:0012625, OMIM 611131.
Goldmann-Favre syndrome. Identifiers: Orphanet 53540, MedGen C0339541, MONDO:0100289.
NR2E3-related disorder. Also called: NR2E3-related disorders; NR2E3-related condition. Identifiers: MedGen CN239387.
Inborn genetic diseases. Identifiers: MedGen C0950123, MeSH D030342.

Allele frequency attached by ClinVar (database versions not stated): gnomAD exomes 0.00002 and 0.00004; ExAC 0.00003; gnomAD 0.00005; TOPMed 0.00006; ESP Exome Variant Server 0.00016.
gnomAD v4.1: 62 of 1,613,834 alleles (0.0038%); highest among the groups gnomAD compares: Middle Eastern, 0.016%; no homozygotes.

Submissions (6):

PreventionGenetics, part of Exact Sciences
Classification: Uncertain significance for NR2E3-related condition. Last evaluated: 2026-09-14. Review status: criteria provided, single submitter. Criteria: ACMG Guidelines, 2015. Collection method: clinical testing. Allele origin: germline.
Comment: The NR2E3 c.664G>A variant is predicted to result in the amino acid substitution p.Glu222Lys. To our knowledge, this variant has not been reported in the literature. This variant is reported in 0.0035% of alleles in individuals of European (Non-Finnish) descent in gnomAD. At this time, the clinical significance of this variant is uncertain due to the absence of conclusive functional and genetic evidence.

Blueprint Genetics
Classification: Uncertain significance. Last evaluated: 2024-10-30. Review status: criteria provided, single submitter. Criteria: ACMG Guidelines, 2015. Collection method: clinical testing. Allele origin: germline.

Labcorp Genetics (formerly Invitae), Labcorp
Classification: Uncertain significance. Last evaluated: 2024-08-21. Review status: criteria provided, single submitter. Criteria: Invitae Variant Classification Sherloc (09022015). Collection method: clinical testing. Allele origin: germline.
Comment: This sequence change replaces glutamic acid, which is acidic and polar, with lysine, which is basic and polar, at codon 222 of the NR2E3 protein (p.Glu222Lys). This variant is present in population databases (rs371945959, gnomAD 0.004%). This variant has not been reported in the literature in individuals affected with NR2E3-related conditions. ClinVar contains an entry for this variant (Variation ID: 991932). Invitae Evidence Modeling of protein sequence and biophysical properties (such as structural, functional, and spatial information, amino acid conservation, physicochemical variation, residue mobility, and thermodynamic stability) has been performed for this missense variant. However, the output from this modeling did not meet the statistical confidence thresholds required to predict the impact of this variant on NR2E3 protein function. In summary, the available evidence is currently insufficient to determine the role of this variant in disease. Therefore, it has been classified as a Variant of Uncertain Significance.

Fulgent Genetics
Classification: Uncertain significance for ENHANCED S-CONE SYNDROME 1; Retinitis pigmentosa 37. Last evaluated: 2022-04-28. Review status: criteria provided, single submitter. Criteria: ACMG Guidelines, 2015. Collection method: clinical testing. Allele origin: unknown.

Ambry Genetics
Classification: Uncertain significance for Inborn genetic diseases. Last evaluated: 2021-06-22. Review status: criteria provided, single submitter. Criteria: Ambry Variant Classification Scheme 2023. Collection method: clinical testing. Allele origin: germline.

Natera, Inc.
Classification: Uncertain significance for Goldmann-Favre syndrome. Last evaluated: 2020-08-25. Review status: no assertion criteria provided. Collection method: clinical testing. Allele origin: germline. Not counted in ClinVar's aggregate classification.

NM_014249.4(NR2E3):c.664G>A (p.Glu222Lys)

Gene: NR2E3 (nuclear receptor subfamily 2 group E member 3; plus strand). Cytogenetic location: 15q23.
Variant type: single nucleotide variant.
Coding change: c.664G>A on transcript NM_014249.4 (MANE Select); coding-DNA position 664, G replaced by A.
Protein change: p.Glu222Lys; replaces glutamic acid 222 with lysine.
Molecular consequence: missense variant.
Genome position (GRCh38, 1-based): chr15:71,812,428, G>A. VCF-style: chr15-71812428-G-A. GRCh37 (hg19) VCF-style: chr15-72104768-G-A.
Other names: c.664G>A, p.Glu222Lys (NM_016346.4); c.664G>A (NM_014249.3, NM_014249.2); short protein forms E222K.
Identifiers: ClinVar variation 991932 (VCV000991932.8), dbSNP rs371945959, ClinGen allele CA7640366.
Genomic context (GRCh38, chr15:71,812,428, plus strand): 5'-CCTGAGTTCCCCTCCTCTCCATACTCCTCTTCCTCCCCCTGCGGCCTGGACAGCATCCAT[G>A]AGACCTCGGCTCGCCTACTCTTCATGGCCGTCAAGTGGGCCAAGAACCTGCCTGTGTTCT-3'
Protein context (NP_055064.1, residues 212-232): SSPCGLDSIH[Glu222Lys]TSARLLFMAV